The following is an entry in ClinVar:

NM_001999.4(FBN2):c.3107A>G (p.Glu1036Gly)

Genes: FBN2 (fibrillin 2; minus strand), LOC126807501 (BRD4-independent group 4 enhancer GRCh37_chr5:127680731-127681930; plus strand). Cytogenetic location: 5q23.3.
Variant type: single nucleotide variant.
Coding change: c.3107A>G on transcript NM_001999.4 (MANE Select); coding-DNA position 3107, A replaced by G.
Protein change: p.Glu1036Gly; replaces glutamic acid 1036 with glycine.
Molecular consequence: missense variant.
Genome position (GRCh38, 1-based): chr5:128,345,467, T>C on the plus strand (A>G on the coding strand, the complement: FBN2 is on the minus strand). VCF-style: chr5-128345467-T-C. GRCh37 (hg19) VCF-style: chr5-127681159-T-C.
Other names: short protein forms E1036G.
Identifiers: ClinVar variation 1721424 (VCV001721424.6), dbSNP rs2479290727, ClinGen allele CA360763210.
Genomic context (GRCh38, chr5:128,345,467, plus strand): 5'-GCCCCGCGGGGGCACAGCGTCTCGTATTCCTTGGTGCCAGGTTTGGGGCACTCCTCACAC[T>C]CGGTGCCCCAAGCCGCCCCGACAGCACAGCAGCAGGCATCCATGCGGAACTTTCCAGGAA-3'
Protein context (NP_001990.2, residues 1026-1046): CCAVGAAWGT[Glu1036Gly]CEECPKPGTK

ClinVar aggregate classification (germline): Uncertain significance (1 of 4 stars; one submission).

Conditions:
Congenital contractural arachnodactyly (CCA). Also called: BEALS SYNDROME; Arthrogryposis, distal, type 9; Beals-Hecht syndrome. Identifiers: Orphanet 115, MedGen C0220668, MONDO:0007363, OMIM 121050.

Submission:

Labcorp Genetics (formerly Invitae), Labcorp
Classification: Uncertain significance for Congenital contractural arachnodactyly. Last evaluated: 2022-10-16. Review status: criteria provided, single submitter. Criteria: Invitae Variant Classification Sherloc (09022015). Collection method: clinical testing. Allele origin: germline.
Comment: This variant is not present in population databases (gnomAD no frequency). This sequence change replaces glutamic acid, which is acidic and polar, with glycine, which is neutral and non-polar, at codon 1036 of the FBN2 protein (p.Glu1036Gly). This variant has not been reported in the literature in individuals affected with FBN2-related conditions. In summary, the available evidence is currently insufficient to determine the role of this variant in disease. Therefore, it has been classified as a Variant of Uncertain Significance. Advanced modeling of protein sequence and biophysical properties (such as structural, functional, and spatial information, amino acid conservation, physicochemical variation, residue mobility, and thermodynamic stability) performed at Invitae indicates that this missense variant is not expected to disrupt FBN2 protein function.